The following is an entry in ClinVar:

NM_201550.4(LRRC10):c.548C>T (p.Pro183Leu)

Gene: LRRC10 (leucine rich repeat containing 10; minus strand). Cytogenetic location: 12q15.
Variant type: single nucleotide variant.
Coding change: c.548C>T on transcript NM_201550.4 (MANE Select); coding-DNA position 548, C replaced by T.
Protein change: p.Pro183Leu; replaces proline 183 with leucine.
Molecular consequence: missense variant.
Genome position (GRCh38, 1-based): chr12:69,610,291, G>A on the plus strand (C>T on the coding strand, the complement: LRRC10 is on the minus strand). VCF-style: chr12-69610291-G-A. GRCh37 (hg19) VCF-style: chr12-70004071-G-A.
Other names: short protein forms P183L.
Identifiers: ClinVar variation 3630895 (VCV003630895.2).

ClinVar aggregate classification (germline): Uncertain significance (1 of 4 stars; one submission).

gnomAD v4.1: 5 of 1,613,112 alleles (0.00031%); highest among the groups gnomAD compares: Non-Finnish European, 0.00042%; no homozygotes.

Submission:

Labcorp Genetics (formerly Invitae), Labcorp
Classification: Uncertain significance. Last evaluated: 2024-06-28. Review status: criteria provided, single submitter. Criteria: Invitae Variant Classification Sherloc (09022015). Collection method: clinical testing. Allele origin: germline.
Comment: This sequence change replaces proline, which is neutral and non-polar, with leucine, which is neutral and non-polar, at codon 183 of the LRRC10 protein (p.Pro183Leu). This variant is not present in population databases (gnomAD no frequency). This variant has not been reported in the literature in individuals affected with LRRC10-related conditions. An algorithm developed to predict the effect of missense changes on protein structure and function (PolyPhen-2) suggests that this variant is likely to be disruptive. In summary, the available evidence is currently insufficient to determine the role of this variant in disease. Therefore, it has been classified as a Variant of Uncertain Significance.